The following is an entry in ClinVar:

ClinVar aggregate classification (germline): Conflicting classifications of pathogenicity. Review status: criteria provided, conflicting classifications (1 of 4 stars). 5 submissions from 5 submitters: Uncertain significance (2); Likely benign (1). 2 of the submissions do not count toward it. Last evaluated 2024-11-26.

Conditions:
PLN-related disorder. Also called: PLN-related condition.
Dilated cardiomyopathy 1P (CMD1P). Identifiers: Orphanet 154, MedGen C1835928, MONDO:0012362, OMIM 609909.
Hypertrophic cardiomyopathy 18. Identifiers: MedGen C3151265, MONDO:0013475, OMIM 613874.

Allele frequency attached by ClinVar (database versions not stated): gnomAD 0.00029 and 0.00031; 1000 Genomes Project 0.00040; TOPMed 0.00061; 1000 Genomes Project 30x 0.00078.

Submissions (5):

Blueprint Genetics
Classification: Likely benign. Last evaluated: 2024-11-26. Review status: criteria provided, single submitter. Criteria: ACMG Guidelines, 2015. Collection method: clinical testing. Allele origin: germline.

Labcorp Genetics (formerly Invitae), Labcorp
Classification: Uncertain significance for Dilated cardiomyopathy 1P. Last evaluated: 2024-02-24. Review status: criteria provided, single submitter. Criteria: Invitae Variant Classification Sherloc (09022015). Collection method: clinical testing. Allele origin: germline.
Comment: This variant occurs in a non-coding region of the PLN gene. It does not change the encoded amino acid sequence of the PLN protein. This variant is present in population databases (rs188578681, gnomAD 0.2%). This variant has not been reported in the literature in individuals affected with PLN-related conditions. ClinVar contains an entry for this variant (Variation ID: 220851). Experimental studies and prediction algorithms are not available or were not evaluated, and the functional significance of this variant is currently unknown. In summary, the available evidence is currently insufficient to determine the role of this variant in disease. Therefore, it has been classified as a Variant of Uncertain Significance.

Fulgent Genetics
Classification: Uncertain significance for Dilated cardiomyopathy 1P; Hypertrophic cardiomyopathy 18. Last evaluated: 2022-04-05. Review status: criteria provided, single submitter. Criteria: ACMG Guidelines, 2015. Collection method: clinical testing. Allele origin: unknown.

PreventionGenetics, part of Exact Sciences
Classification: Uncertain significance for PLN-related condition. Last evaluated: 2024-08-27. Review status: no assertion criteria provided. Collection method: clinical testing. Allele origin: germline. Not counted in ClinVar's aggregate classification.
Comment: The PLN c.-236C>G variant is located in the 5' untranslated region. To our knowledge, this variant has not been reported in the literature. This variant is reported in 0.24% of alleles in individuals of Latino descent in gnomAD. Although we suspect that this variant may be benign, at this time, the clinical significance of this variant is uncertain due to the absence of conclusive functional and genetic evidence.

OMIM
Classification: Pathogenic for CARDIOMYOPATHY, FAMILIAL HYPERTROPHIC, 18. Last evaluated: 2007-01-01. Review status: no assertion criteria provided. Collection method: literature only. Allele origin: germline. Not counted in ClinVar's aggregate classification.

Literature cited by the submitters: PubMed 16829191 (cited by OMIM).

NC_000006.12:g.118548254C>G

Genes: CEP85L (centrosomal protein 85L; minus strand), PLN (phospholamban; plus strand). Cytogenetic location: 6q22.31.
Variant type: single nucleotide variant.
Molecular consequence: intron variant (on NM_001042475.3).
Genome position: GRCh38 VCF-style: chr6-118548254-C-G. GRCh37 (hg19) VCF-style: chr6-118869417-C-G.
Other names: -42C-G; c.1029+17275G>C (NM_001178035.2); c.1020+17275G>C (NM_001042475.3, NM_206921.3); c.-236C>G (NM_002667.5).
Identifiers: ClinVar variation 220851 (VCV000220851.21), dbSNP rs188578681, ClinGen allele CA349789.